The following is an entry in ClinVar:

NM_001135649.3(FOXI3):c.262G>A (p.Ala88Thr)

Gene: FOXI3 (forkhead box I3; minus strand). Cytogenetic location: 2p11.2.
Variant type: single nucleotide variant.
Coding change: c.262G>A on transcript NM_001135649.3 (MANE Select); coding-DNA position 262, G replaced by A.
Protein change: p.Ala88Thr; replaces alanine 88 with threonine.
Molecular consequence: missense variant.
Genome position (GRCh38, 1-based): chr2:88,452,274, C>T on the plus strand (G>A on the coding strand, the complement: FOXI3 is on the minus strand). VCF-style: chr2-88452274-C-T. GRCh37 (hg19) VCF-style: chr2-88751792-C-T.
Other names: short protein forms A88T.
Identifiers: ClinVar variation 3622839 (VCV003622839.2).

ClinVar aggregate classification (germline): Uncertain significance (1 of 4 stars; one submission).

Submission:

Labcorp Genetics (formerly Invitae), Labcorp
Classification: Uncertain significance. Last evaluated: 2024-05-12. Review status: criteria provided, single submitter. Criteria: Invitae Variant Classification Sherloc (09022015). Collection method: clinical testing. Allele origin: germline.
Comment: This sequence change replaces alanine, which is neutral and non-polar, with threonine, which is neutral and polar, at codon 88 of the FOXI3 protein (p.Ala88Thr). The frequency data for this variant in the population databases is considered unreliable, as metrics indicate insufficient coverage at this position in the gnomAD database. This variant has not been reported in the literature in individuals affected with FOXI3-related conditions. Experimental studies and prediction algorithms are not available or were not evaluated, and the functional significance of this variant is currently unknown. In summary, the available evidence is currently insufficient to determine the role of this variant in disease. Therefore, it has been classified as a Variant of Uncertain Significance.